The following is an entry in ClinVar:

NM_173660.5(DOK7):c.1317C>T (p.Ser439=)

Gene: DOK7 (docking protein 7; plus strand). Cytogenetic location: 4p16.3.
Variant type: single nucleotide variant.
Coding change: c.1317C>T on transcript NM_173660.5 (MANE Select); coding-DNA position 1317, C replaced by T.
Protein change: p.Ser439=; no amino-acid change (serine 439 retained).
Molecular consequence: synonymous variant. On other transcripts: 3 prime UTR variant (1).
Genome position (GRCh38, 1-based): chr4:3,493,303, C>T. VCF-style: chr4-3493303-C-T. GRCh37 (hg19) VCF-style: chr4-3495030-C-T.
Other names: c.*538C>T (NM_001164673.2); c.387C>T, p.Ser129= (NM_001256896.2); c.1317C>T, p.Ser439= (NM_001301071.2); c.885C>T, p.Ser295= (NM_001363811.2).
Identifiers: ClinVar variation 128909 (VCV000128909.19), dbSNP rs16844467, ClinGen allele CA152597.

ClinVar aggregate classification (germline): Benign. Review status: criteria provided, multiple submitters, no conflicts (2 of 4 stars). 6 submissions from 6 submitters: Benign (5). 1 of the submissions does not count toward it. Last evaluated 2026-01-28.

Conditions:
Fetal akinesia deformation sequence 1 (FADS1). Also called: Fetal akinesia sequence; Pena-Shokeir syndrome type I. Identifiers: Orphanet 994, MedGen C1276035, MONDO:0100101, OMIM 208150, HP:0001989.
Congenital myasthenic syndrome 10. Also called: Myasthenia, limb-girdle, familial. Identifiers: Orphanet 590, MedGen C1850792, MONDO:0009690, OMIM 254300.

Allele frequency attached by ClinVar (database versions not stated): gnomAD 0.01323 and 0.01424; 1000 Genomes Project 30x 0.01359; 1000 Genomes Project 0.01398; ESP Exome Variant Server 0.01417; TOPMed 0.01423.
gnomAD v4.1: 4,447 of 1,606,308 alleles (0.28%); highest among the groups gnomAD compares: African/African-American, 4.7%; 94 homozygotes.

Submissions (6):

Labcorp Genetics (formerly Invitae), Labcorp
Classification: Benign for Congenital myasthenic syndrome 10; Fetal akinesia deformation sequence 1. Last evaluated: 2026-01-28. Review status: criteria provided, single submitter. Criteria: Invitae Variant Classification Sherloc (09022015). Collection method: clinical testing. Allele origin: germline.

Athena Diagnostics
Classification: Benign. Last evaluated: 2018-10-25. Review status: criteria provided, single submitter. Criteria: Athena Diagnostics Criteria. Collection method: clinical testing. Allele origin: germline.

GeneDx
Classification: Benign. Last evaluated: 2017-11-25. Review status: criteria provided, single submitter. Criteria: GeneDx Variant Classification (06012015). Collection method: clinical testing. Allele origin: germline. Affected: yes.
Comment: This variant is considered likely benign or benign based on one or more of the following criteria: it is a conservative change, it occurs at a poorly conserved position in the protein, it is predicted to be benign by multiple in silico algorithms, and/or has population frequency not consistent with disease.

Breakthrough Genomics
Classification: Benign. Review status: criteria provided, single submitter. Criteria: ACMG Guidelines, 2015. Collection method: not provided. Allele origin: germline. Inheritance: Autosomal recessive inheritance. Affected: yes.

PreventionGenetics, part of Exact Sciences
Classification: Benign. Review status: criteria provided, single submitter. Criteria: ACMG Guidelines, 2015. Collection method: clinical testing. Allele origin: germline.

Genetic Services Laboratory, University of Chicago
Classification: Likely benign for AllHighlyPenetrant. Review status: no assertion criteria provided. Collection method: clinical testing. Allele origin: germline. Inheritance: Autosomal recessive inheritance. Not counted in ClinVar's aggregate classification.
Comment: Likely benign based on allele frequency in 1000 Genomes Project or ESP global frequency and its presence in a patient with a rare or unrelated disease phenotype. NOT Sanger confirmed.